The following is an entry in ClinVar:

NM_001481.3(DRC4):c.1159G>A (p.Glu387Lys)

Gene: DRC4 (dynein regulatory complex subunit 4; plus strand). Cytogenetic location: 16q24.3.
Variant type: single nucleotide variant.
Coding change: c.1159G>A on transcript NM_001481.3 (MANE Select); coding-DNA position 1159, G replaced by A.
Protein change: p.Glu387Lys; replaces glutamic acid 387 with lysine.
Molecular consequence: missense variant.
Genome position (GRCh38, 1-based): chr16:90,040,447, G>A. VCF-style: chr16-90040447-G-A. GRCh37 (hg19) VCF-style: chr16-90106855-G-A.
Other names: c.910G>A, p.Glu304Lys (NM_001286205.2); c.583G>A, p.Glu195Lys (NM_001286208.2); c.1084G>A, p.Glu362Lys (NM_001286209.2); short protein forms E195K, E304K, E362K, E387K.
Identifiers: ClinVar variation 861094 (VCV000861094.9), dbSNP rs749269668, ClinGen allele CA8258119.

ClinVar aggregate classification (germline): Uncertain significance (1 of 4 stars; one submission).

Conditions:
Primary ciliary dyskinesia 33. Also called: CILIARY DYSKINESIA, PRIMARY, 33, WITHOUT SITUS INVERSUS. Identifiers: Orphanet 244, MedGen C4225230, MONDO:0014750, OMIM 616726.

Allele frequency attached by ClinVar (database versions not stated): ExAC 0.00001; gnomAD exomes 0.00001; TOPMed 0.00002; gnomAD 0.00003.
gnomAD v4.1: 15 of 1,611,270 alleles (0.00093%); highest among the groups gnomAD compares: African/African-American, 0.0053%; no homozygotes.

Submission:

Labcorp Genetics (formerly Invitae), Labcorp
Classification: Uncertain significance for Primary ciliary dyskinesia 33. Last evaluated: 2019-11-29. Review status: criteria provided, single submitter. Criteria: Invitae Variant Classification Sherloc (09022015). Collection method: clinical testing. Allele origin: germline.
Comment: In summary, the available evidence is currently insufficient to determine the role of this variant in disease. Therefore, it has been classified as a Variant of Uncertain Significance. This sequence change replaces glutamic acid with lysine at codon 387 of the GAS8 protein (p.Glu387Lys). The glutamic acid residue is highly conserved and there is a small physicochemical difference between glutamic acid and lysine. This variant is present in population databases (rs749269668, ExAC 0.02%). This variant has not been reported in the literature in individuals with GAS8-related conditions. Algorithms developed to predict the effect of missense changes on protein structure and function are either unavailable or do not agree on the potential impact of this missense change (SIFT: "Tolerated"; PolyPhen-2: "Possibly Damaging"; Align-GVGD: "Class C0").